The following is an entry in ClinVar:

NM_005886.3(KATNB1):c.1567-3C>G

Gene: KATNB1 (katanin regulatory subunit B1; plus strand). Cytogenetic location: 16q21.
Variant type: single nucleotide variant.
Coding change: c.1567-3C>G on transcript NM_005886.3 (MANE Select); 3 bases into the intron before coding-DNA position 1567, C replaced by G.
Molecular consequence: intron variant.
Genome position (GRCh38, 1-based): chr16:57,755,838, C>G. VCF-style: chr16-57755838-C-G. GRCh37 (hg19) VCF-style: chr16-57789750-C-G.
Identifiers: ClinVar variation 3236752 (VCV003236752.1), dbSNP rs2543426556.
Genomic context (GRCh38, chr16:57,755,838, plus strand): 5'-TCACCCTCACAGGGCCACACTGTCCCCCACTGCCCCACCCCTGACGGTGCTCTGTTTGCA[C>G]AGACGTCGGTGGACTCCGCTGTGGCCATCAACGACCTGTCGGTGGTGGTGGACCTCCTGA-3'

ClinVar aggregate classification (germline): Uncertain significance (1 of 4 stars; one submission).

Conditions:
Lissencephaly 6 with microcephaly. Identifiers: Orphanet 1083, MedGen C4015525, MONDO:0014534, OMIM 616212.

Submission:

MVZ Medizinische Genetik Mainz
Classification: Uncertain significance for Lissencephaly 6 with microcephaly. Last evaluated: 2023-11-10. Review status: criteria provided, single submitter. Criteria: UK Practice Guidelines For Variant Classification V4 01 2020. Collection method: clinical testing. Allele origin: germline. Inheritance: Autosomal recessive inheritance. Affected: yes. Observed: 1 variant allele.
Comment: ACMG Criteria: PM2_SUP,PP3